The following is an entry in ClinVar:

ClinVar aggregate classification (germline): Conflicting classifications of pathogenicity. Review status: criteria provided, conflicting classifications (1 of 4 stars). 2 submissions from 2 submitters: Likely pathogenic (1); Uncertain significance (1). Last evaluated 2025-07-17.

Conditions:
Cataract 1 multiple types. Also called: CATARACT 1, MULTIPLE TYPES, WITH OR WITHOUT MICROCORNEA; CATARACT, DUFFY-LINKED; CATARACT 1, POSTERIOR SUBCAPSULAR, WITH MICROCORNEA; CATARACT 1, STELLATE NUCLEAR, WITH MICROCORNEA; CATARACT 1, NUCLEAR PROGRESSIVE; CATARACT 1 WITH MICROCORNEA. Identifiers: Orphanet 1377, MedGen C1861828, MONDO:0007285, OMIM 116200.
GJA8-related disorder. Also called: GJA8-related condition.

Allele frequency attached by ClinVar (database versions not stated): gnomAD exomes below 0.00001; ExAC 0.00001.
gnomAD v4.1: 2 of 1,614,208 alleles (0.00012%); highest among the groups gnomAD compares: Admixed American, 0.0017%; no homozygotes.

Submissions (2):

PreventionGenetics, part of Exact Sciences
Classification: Uncertain significance for GJA8-related condition. Last evaluated: 2025-07-17. Review status: criteria provided, single submitter. Criteria: ACMG Guidelines, 2015. Collection method: clinical testing. Allele origin: germline.
Comment: The GJA8 c.263C>G variant is predicted to result in the amino acid substitution p.Pro88Arg. To our knowledge, this variant has not been reported in the literature. Alternate missense variants at this amino acid (p.Pro88Ser, p.Pro88Gln, p.Pro88Leu) have been reported in individuals with cataracts (Shiels et al. 1998. PubMed ID: 9497259; Arora et al. 2006. PubMed ID: 16397066; Jin et al. 2022. PubMed ID: 35531093). This variant is reported in 0.0029% of alleles in individuals of Latino descent in gnomAD. Although we suspect that this variant may be pathogenic, at this time, the clinical significance of this variant is uncertain due to the absence of conclusive functional and genetic evidence.

Labcorp Genetics (formerly Invitae), Labcorp
Classification: Likely pathogenic for Cataract 1 multiple types. Last evaluated: 2024-02-02. Review status: criteria provided, single submitter. Criteria: Invitae Variant Classification Sherloc (09022015). Collection method: clinical testing. Allele origin: germline.
Comment: This sequence change replaces proline, which is neutral and non-polar, with arginine, which is basic and polar, at codon 88 of the GJA8 protein (p.Pro88Arg). This variant is present in population databases (rs782199122, gnomAD 0.003%). This variant has not been reported in the literature in individuals affected with GJA8-related conditions. Advanced modeling of protein sequence and biophysical properties (such as structural, functional, and spatial information, amino acid conservation, physicochemical variation, residue mobility, and thermodynamic stability) performed at Invitae indicates that this missense variant is expected to disrupt GJA8 protein function with a positive predictive value of 95%. This variant disrupts the p.Pro88 amino acid residue in GJA8. Other variant(s) that disrupt this residue have been determined to be pathogenic (PMID: 9497259, 35531093; Invitae). This suggests that this residue is clinically significant, and that variants that disrupt this residue are likely to be disease-causing. In summary, the currently available evidence indicates that the variant is pathogenic, but additional data are needed to prove that conclusively. Therefore, this variant has been classified as Likely Pathogenic.

Literature cited by the submitters: PubMed 9497259 (cited by Labcorp Genetics (formerly Invitae), Labcorp); PubMed 35531093 (cited by Labcorp Genetics (formerly Invitae), Labcorp).

NM_005267.5(GJA8):c.263C>G (p.Pro88Arg)

Gene: GJA8 (gap junction protein alpha 8; plus strand). Cytogenetic location: 1q21.2.
Variant type: single nucleotide variant.
Coding change: c.263C>G on transcript NM_005267.5 (MANE Select); coding-DNA position 263, C replaced by G.
Protein change: p.Pro88Arg; replaces proline 88 with arginine.
Molecular consequence: missense variant.
Genome position (GRCh38, 1-based): chr1:147,908,218, C>G. VCF-style: chr1-147908218-C-G. GRCh37 (hg19) VCF-style: chr1-147380345-C-G.
Other names: c.263C>G (NM_005267.4); short protein forms P88R.
Identifiers: ClinVar variation 2782760 (VCV002782760.4), dbSNP rs782199122, ClinGen allele CA1065897.